The following is an entry in ClinVar:

NM_016203.4(PRKAG2):c.1247C>T (p.Pro416Leu)

Gene: PRKAG2 (protein kinase AMP-activated non-catalytic subunit gamma 2; minus strand). Cytogenetic location: 7q36.1.
Variant type: single nucleotide variant.
Coding change: c.1247C>T on transcript NM_016203.4 (MANE Select); coding-DNA position 1247, C replaced by T.
Protein change: p.Pro416Leu; replaces proline 416 with leucine.
Molecular consequence: missense variant.
Genome position (GRCh38, 1-based): chr7:151,565,872, G>A on the plus strand (C>T on the coding strand, the complement: PRKAG2 is on the minus strand). VCF-style: chr7-151565872-G-A. GRCh37 (hg19) VCF-style: chr7-151262958-G-A.
Other names: c.1115C>T, p.Pro372Leu (NM_001040633.2, NM_001407024.1); c.872C>T, p.Pro291Leu (NM_001304527.2, NM_001407029.1); c.524C>T, p.Pro175Leu (NM_001304531.2, NM_001407034.1, NM_001407035.1 and 1 more transcripts); c.875C>T, p.Pro292Leu (NM_001363698.2, NM_001407028.1); c.1247C>T, p.Pro416Leu (NM_001407021.1); c.1244C>T, p.Pro415Leu (NM_001407022.1, NM_001407023.1); c.1112C>T, p.Pro371Leu (NM_001407026.1, NM_001407027.1); c.959C>T, p.Pro320Leu (NM_001407030.1); and 6 more; short protein forms P320L, P175L, P191L, P308L, P310L, P319L, P415L, P416L.
Identifiers: ClinVar variation 2784203 (VCV002784203.3), dbSNP rs1806133806, ClinGen allele CA370071283.

ClinVar aggregate classification (germline): Uncertain significance (1 of 4 stars; one submission).

Conditions:
Lethal congenital glycogen storage disease of heart. Also called: PHOSPHORYLASE KINASE DEFICIENCY OF HEART; GLYCOGEN STORAGE DISEASE OF HEART. Identifiers: Orphanet 439854, MedGen C1849813, MONDO:0009867, OMIM 261740.

Submission:

Labcorp Genetics (formerly Invitae), Labcorp
Classification: Uncertain significance for Lethal congenital glycogen storage disease of heart. Last evaluated: 2023-03-26. Review status: criteria provided, single submitter. Criteria: Invitae Variant Classification Sherloc (09022015). Collection method: clinical testing. Allele origin: germline.
Comment: This sequence change replaces proline, which is neutral and non-polar, with leucine, which is neutral and non-polar, at codon 416 of the PRKAG2 protein (p.Pro416Leu). In summary, the available evidence is currently insufficient to determine the role of this variant in disease. Therefore, it has been classified as a Variant of Uncertain Significance. Advanced modeling of protein sequence and biophysical properties (such as structural, functional, and spatial information, amino acid conservation, physicochemical variation, residue mobility, and thermodynamic stability) performed at Invitae indicates that this missense variant is expected to disrupt PRKAG2 protein function. This variant has not been reported in the literature in individuals affected with PRKAG2-related conditions. This variant is not present in population databases (gnomAD no frequency).